The following is an entry in ClinVar:

NM_020911.2(PLXNA4):c.4630C>T (p.His1544Tyr)

Gene: PLXNA4 (plexin A4; minus strand). Cytogenetic location: 7q32.3.
Variant type: single nucleotide variant.
Coding change: c.4630C>T on transcript NM_020911.2 (MANE Select); coding-DNA position 4630, C replaced by T.
Protein change: p.His1544Tyr; replaces histidine 1544 with tyrosine.
Molecular consequence: missense variant.
Genome position (GRCh38, 1-based): chr7:132,159,503, G>A on the plus strand (C>T on the coding strand, the complement: PLXNA4 is on the minus strand). VCF-style: chr7-132159503-G-A. GRCh37 (hg19) VCF-style: chr7-131844262-G-A.
Other names: c.4630C>T, p.His1544Tyr (NM_001393897.1); short protein forms H1544Y.
Identifiers: ClinVar variation 4977379 (VCV004977379.1).
Genomic context (GRCh38, chr7:132,159,503, plus strand): 5'-GGACAGCCCCTGGGTGGACAGCCTACTCACCCAGATCCATATCTGCAGCTTTGGGCCGGT[G>A]GGAGCAAGGCACATTCTTGAAGATGGCATCCAGAATCTTCTCCTTGACCTGAGTGATGGT-3'
Protein context (NP_065962.1, residues 1534-1554): DAIFKNVPCS[His1544Tyr]RPKAADMDLE

ClinVar aggregate classification (germline): Uncertain significance (1 of 4 stars; one submission).

Conditions:
PLXNA4-related disorder. Also called: PLXNA4-related condition.

gnomAD v4.1: 6 of 1,614,024 alleles (0.00037%); highest among the groups gnomAD compares: African/African-American, 0.0053%; no homozygotes.

Submission:

PreventionGenetics, part of Exact Sciences
Classification: Uncertain significance for PLXNA4-related condition. Last evaluated: 2025-12-23. Review status: criteria provided, single submitter. Criteria: ACMG Guidelines, 2015. Collection method: clinical testing. Allele origin: germline.
Comment: The PLXNA4 c.4630C>T variant is predicted to result in the amino acid substitution p.His1544Tyr. To our knowledge, this variant has not been reported in the literature. This variant is reported in 0.0063% of alleles in individuals of African descent in gnomAD. At this time, the clinical significance of this variant is uncertain due to the absence of conclusive functional and genetic evidence.